The following is an entry in ClinVar:

NM_001374736.1(DST):c.15655T>A (p.Phe5219Ile)

Gene: DST (dystonin; minus strand). Cytogenetic location: 6p12.1.
Variant type: single nucleotide variant.
Coding change: c.15655T>A on transcript NM_001374736.1 (MANE Select); coding-DNA position 15655, T replaced by A.
Protein change: p.Phe5219Ile; replaces phenylalanine 5219 with isoleucine.
Molecular consequence: missense variant.
Genome position (GRCh38, 1-based): chr6:56,553,137, A>T on the plus strand (T>A on the coding strand, the complement: DST is on the minus strand). VCF-style: chr6-56553137-A-T. GRCh37 (hg19) VCF-style: chr6-56417935-A-T.
Other names: c.9298T>A, p.Phe3100Ile (NM_001144769.5); c.8884T>A, p.Phe2962Ile (NM_001144770.2); c.15655T>A, p.Phe5219Ile (NM_001374722.1); c.15022T>A, p.Phe5008Ile (NM_001374729.1); c.8764T>A, p.Phe2922Ile (NM_001374730.1, NM_001386100.1, NM_183380.4); c.15682T>A, p.Phe5228Ile (NM_001374734.1); c.7786T>A, p.Phe2596Ile (NM_015548.5); short protein forms F3100I, F5228I, F2922I, F2962I, F5008I, F2596I, F5219I.
Identifiers: ClinVar variation 1969755 (VCV001969755.5), dbSNP rs2535336765, ClinGen allele CA364516496.

ClinVar aggregate classification (germline): Uncertain significance (1 of 4 stars; one submission).

Conditions:
Hereditary sensory and autonomic neuropathy type 6. Also called: Neuropathy, hereditary sensory and autonomic, type VI; HSAN VI. Identifiers: Orphanet 314381, MedGen C3539003, MONDO:0013839, OMIM 614653.
Epidermolysis bullosa simplex 3, localized or generalized intermediate, with BP230 deficiency (EBS3). Also called: Epidermolysis bullosa simplex due to BP230 deficiency; Epidermolysis bullosa simplex, autosomal recessive 2. Identifiers: Orphanet 412181, MedGen C3809470, MONDO:0014180, OMIM 615425.

Submission:

Labcorp Genetics (formerly Invitae), Labcorp
Classification: Uncertain significance for Epidermolysis bullosa simplex 3, localized or generalized intermediate, with BP230 deficiency; Hereditary sensory and autonomic neuropathy type 6. Last evaluated: 2022-06-08. Review status: criteria provided, single submitter. Criteria: Invitae Variant Classification Sherloc (09022015). Collection method: clinical testing. Allele origin: germline.
Comment: In summary, the available evidence is currently insufficient to determine the role of this variant in disease. Therefore, it has been classified as a Variant of Uncertain Significance. Experimental studies and prediction algorithms are not available or were not evaluated, and the functional significance of this variant is currently unknown. This variant has not been reported in the literature in individuals affected with DST-related conditions. This variant is not present in population databases (gnomAD no frequency). This sequence change replaces phenylalanine, which is neutral and non-polar, with isoleucine, which is neutral and non-polar, at codon 2596 of the DST protein (p.Phe2596Ile). The DST gene has multiple clinically relevant transcripts. This variant occurs in alternate transcript NM_015548.4, and corresponds to NM_001723.5:c.*62380T>A in the primary transcript.